The following is an entry in ClinVar:

ClinVar aggregate classification (germline): Benign. Review status: criteria provided, multiple submitters, no conflicts (2 of 4 stars). 4 submissions from 4 submitters: Benign (3). 1 of the submissions does not count toward it. Last evaluated 2023-03-21.

Conditions:
ROBO4-related disorder. Also called: ROBO4-related condition.
Familial thoracic aortic aneurysm and aortic dissection (TAAD). Also called: Thoracic aortic aneurysms and dissections. Identifiers: Orphanet 91387, MedGen C4707243, MONDO:0019625.

Allele frequency attached by ClinVar (database versions not stated): gnomAD exomes 0.00236 and 0.00595; ExAC 0.00727; gnomAD 0.02356 and 0.02519; 1000 Genomes Project 0.02496; ESP Exome Variant Server 0.02662; TOPMed 0.02699; 1000 Genomes Project 30x 0.02936.
gnomAD v4.1: 7,184 of 1,614,060 alleles (0.45%); highest among the groups gnomAD compares: African/African-American, 8.3%; 292 homozygotes.

Submissions (4):

CHEO Genetics Diagnostic Laboratory, Children's Hospital of Eastern Ontario
Classification: Benign for Familial thoracic aortic aneurysm and aortic dissection. Last evaluated: 2023-03-21. Review status: criteria provided, single submitter. Criteria: ACMG Guidelines, 2015. Collection method: clinical testing. Allele origin: germline.

Labcorp Genetics (formerly Invitae), Labcorp
Classification: Benign. Last evaluated: 2019-12-31. Review status: criteria provided, single submitter. Criteria: Invitae Variant Classification Sherloc (09022015). Collection method: clinical testing. Allele origin: germline.

Breakthrough Genomics
Classification: Benign. Review status: criteria provided, single submitter. Criteria: ACMG Guidelines, 2015. Collection method: not provided. Allele origin: germline. Inheritance: Autosomal dominant inheritance. Affected: yes.

PreventionGenetics, part of Exact Sciences
Classification: Benign for ROBO4-related condition. Last evaluated: 2024-06-11. Review status: no assertion criteria provided. Collection method: clinical testing. Allele origin: germline. Not counted in ClinVar's aggregate classification.
Comment: This variant is classified as benign based on ACMG/AMP sequence variant interpretation guidelines (Richards et al. 2015 PMID: 25741868, with internal and published modifications).

NM_019055.6(ROBO4):c.1239A>G (p.Pro413=)

Gene: ROBO4 (roundabout guidance receptor 4; minus strand). Cytogenetic location: 11q24.2.
Variant type: single nucleotide variant.
Coding change: c.1239A>G on transcript NM_019055.6 (MANE Select); coding-DNA position 1239, A replaced by G.
Protein change: p.Pro413=; no amino-acid change (proline 413 retained).
Molecular consequence: synonymous variant.
Genome position (GRCh38, 1-based): chr11:124,894,280, T>C on the plus strand (A>G on the coding strand, the complement: ROBO4 is on the minus strand). VCF-style: chr11-124894280-T-C. GRCh37 (hg19) VCF-style: chr11-124764176-T-C.
Other names: c.804A>G, p.Pro268= (NM_001301088.2).
Identifiers: ClinVar variation 768494 (VCV000768494.8), dbSNP rs11820142, ClinGen allele CA6345031.